The following is an entry in ClinVar:

NM_000038.6(APC):c.836G>T (p.Gly279Val)

Gene: APC (APC regulator of Wnt signaling pathway; plus strand). Cytogenetic location: 5q22.2.
Variant type: single nucleotide variant.
Coding change: c.836G>T on transcript NM_000038.6 (MANE Select); coding-DNA position 836, G replaced by T.
Protein change: p.Gly279Val; replaces glycine 279 with valine.
Molecular consequence: missense variant. On other transcripts: 5 prime UTR variant (1).
Genome position (GRCh38, 1-based): chr5:112,815,496, G>T. VCF-style: chr5-112815496-G-T. GRCh37 (hg19) VCF-style: chr5-112151193-G-T.
Other names: c.836G>T, p.Gly279Val (NM_001127510.3, NM_001354895.2, NM_001354896.2 and 1 more transcripts); c.782G>T, p.Gly261Val (NM_001127511.3); c.866G>T, p.Gly289Val (NM_001354897.2, NM_001354902.2); c.761G>T, p.Gly254Val (NM_001354898.2, NM_001354904.2); c.752G>T, p.Gly251Val (NM_001354899.2); c.659G>T, p.Gly220Val (NM_001354900.2, NM_001354901.2, NM_001354905.2); c.-14G>T (NM_001354906.2); short protein forms G279V, G261V, G254V, G251V, G220V, G289V.
Identifiers: ClinVar variation 135725 (VCV000135725.29), dbSNP rs587780607, ClinGen allele CA015427.
Genomic context (GRCh38, chr5:112,815,496, plus strand): 5'-TGTTATCTGTATTTACCTATAGTCTAAATTATACCATCTATAATGTGCTTAATTTTTAGG[G>T]TTCAACTACACGAATGGACCATGAAACAGCCAGTGTTTTGAGTTCTAGTAGCACACACTC-3'
Protein context (NP_000029.2, residues 269-289): INMATSGNGQ[Gly279Val]STTRMDHETA

ClinVar aggregate classification (germline): Uncertain significance. Review status: criteria provided, multiple submitters, no conflicts (2 of 4 stars). 9 submissions from 9 submitters: Uncertain significance (8). 1 of the submissions does not count toward it. Last evaluated 2025-12-22.

Conditions:
Familial adenomatous polyposis 1 (FAP1). Also called: FAMILIAL ADENOMATOUS POLYPOSIS 1, ATTENUATED; POLYPOSIS, ADENOMATOUS INTESTINAL. Identifiers: MedGen C2713442, MONDO:0021056, OMIM 175100. Disease mechanism: loss of function.
Classic or attenuated familial adenomatous polyposis. Identifiers: MedGen CN372698, MONDO:0021057.
Hereditary cancer-predisposing syndrome. Also called: Tumor predisposition; Hereditary neoplastic syndrome; Neoplastic Syndromes, Hereditary; Hereditary Cancer Syndrome. Identifiers: Orphanet 140162, MedGen C0027672, MeSH D009386, MONDO:0015356.

gnomAD v4.1: 10 of 1,609,964 alleles (0.00062%); highest among the groups gnomAD compares: Non-Finnish European, 0.00085%; no homozygotes.

Submissions (9):

Labcorp Genetics (formerly Invitae), Labcorp
Classification: Uncertain significance for Familial adenomatous polyposis 1. Last evaluated: 2025-12-22. Review status: criteria provided, single submitter. Criteria: Invitae Variant Classification Sherloc (09022015). Collection method: clinical testing. Allele origin: germline.
Comment: This sequence change replaces glycine, which is neutral and non-polar, with valine, which is neutral and non-polar, at codon 279 of the APC protein (p.Gly279Val). This variant is not present in population databases (gnomAD no frequency). This variant has not been reported in the literature in individuals affected with APC-related conditions. ClinVar contains an entry for this variant (Variation ID: 135725). An algorithm developed to predict the effect of missense changes on protein structure and function (PolyPhen-2) suggests that this variant is likely to be tolerated. In summary, the available evidence is currently insufficient to determine the role of this variant in disease. Therefore, it has been classified as a Variant of Uncertain Significance.

Quest Diagnostics Nichols Institute San Juan Capistrano
Classification: Uncertain significance. Last evaluated: 2025-06-25. Review status: criteria provided, single submitter. Criteria: Quest Diagnostics criteria. Collection method: clinical testing. Allele origin: unknown.
Comment: The APC c.836G>T (p.Gly279Val) variant has not been reported in individuals with APC-related conditions in the published literature. It also has not been reported in large, multi-ethnic general populations (Genome Aggregation Database). Analysis of this variant using bioinformatics tools for the prediction of the effect of amino acid changes on protein structure and function yielded predictions that this variant is benign. Based on the available information, we are unable to determine the clinical significance of this variant.

Ambry Genetics
Classification: Uncertain significance for Hereditary cancer-predisposing syndrome. Last evaluated: 2025-06-24. Review status: criteria provided, single submitter. Criteria: Ambry Variant Classification Scheme 2023. Collection method: clinical testing. Allele origin: germline.
Comment: The p.G279V variant (also known as c.836G>T), located in coding exon 8 of the APC gene, results from a G to T substitution at nucleotide position 836. The glycine at codon 279 is replaced by valine, an amino acid with dissimilar properties. This amino acid position is not well conserved in available vertebrate species. In addition, in silico predictors for this gene do not accurately predict pathogenicity. Missense alterations in APC are not a common cause of disease (Spier I et al. Genet Med. 2024 Feb;26(2):100992). Based on the available evidence, the clinical significance of this variant remains unclear.

GeneDx
Classification: Uncertain significance. Last evaluated: 2024-05-20. Review status: criteria provided, single submitter. Criteria: GeneDx Variant Classification Process June 2021. Collection method: clinical testing. Allele origin: germline. Affected: yes.
Comment: Not observed at significant frequency in large population cohorts (gnomAD); In silico analysis indicates that this missense variant does not alter protein structure/function; Has not been previously published as pathogenic or benign to our knowledge

Baylor Genetics
Classification: Uncertain significance for Familial adenomatous polyposis 1. Last evaluated: 2024-02-26. Review status: criteria provided, single submitter. Criteria: ACMG Guidelines, 2015. Collection method: clinical testing. Allele origin: unknown.

All of Us Research Program, National Institutes of Health
Classification: Uncertain significance for Classic or attenuated familial adenomatous polyposis. Last evaluated: 2023-11-20. Review status: criteria provided, single submitter. Criteria: ACMG Guidelines, 2015. Collection method: clinical testing. Allele origin: germline. Inheritance: Autosomal dominant inheritance. Observed: 4 variant alleles, 4 heterozygotes.
Comment: This missense variant replaces glycine with valine at codon 279 of the APC protein. Computational prediction suggests that this variant may not impact protein structure and function (internally defined REVEL score threshold <= 0.5, PMID: 27666373). Splice site prediction tools suggest that this variant may not impact RNA splicing. To our knowledge, functional studies have not been performed for this variant. This variant has not been reported in individuals affected with hereditary cancer in the literature. This variant has not been identified in the general population by the Genome Aggregation Database (gnomAD). The available evidence is insufficient to determine the role of this variant in disease conclusively. Therefore, this variant is classified as a Variant of Uncertain Significance.

This study involves interpretation of variants in research participants for the purpose of population health screening. Participant phenotype was not available at the time of variant classification. Additional details can be found in publication PMID: 35346344, PMCID: PMC8962531

Color Diagnostics, LLC DBA Color Health
Classification: Uncertain significance for Hereditary cancer-predisposing syndrome. Last evaluated: 2023-06-08. Review status: criteria provided, single submitter. Criteria: ACMG Guidelines, 2015. Collection method: clinical testing. Allele origin: germline.
Comment: This missense variant replaces glycine with valine at codon 279 of the APC protein. Computational prediction suggests that this variant may not impact protein structure and function (internally defined REVEL score threshold <= 0.5, PMID: 27666373). To our knowledge, functional studies have not been reported for this variant. This variant has not been reported in individuals affected with APC-related disorders in the literature. This variant has not been identified in the general population by the Genome Aggregation Database (gnomAD). The available evidence is insufficient to determine the role of this variant in disease conclusively. Therefore, this variant is classified as a Variant of Uncertain Significance.

Myriad Genetics, Inc.
Classification: Uncertain significance for Familial adenomatous polyposis 1. Last evaluated: 2023-02-21. Review status: criteria provided, single submitter. Criteria: Myriad Autosomal Dominant, Autosomal Recessive and X-Linked Classification Criteria (2023). Collection method: clinical testing. Allele origin: unknown.
Comment: This variant is classified as a variant of uncertain significance as there is insufficient evidence to determine its impact on protein function and/or cancer risk.

Counsyl
Classification: Uncertain significance for Familial adenomatous polyposis 1. Last evaluated: 2016-10-21. Review status: no assertion criteria provided. Collection method: clinical testing. Allele origin: unknown. Not counted in ClinVar's aggregate classification.